The following is an entry in ClinVar:

NM_000212.3(ITGB3):c.1763C>T (p.Thr588Met)

Gene: ITGB3 (integrin subunit beta 3; plus strand). Cytogenetic location: 17q21.32.
Variant type: single nucleotide variant.
Coding change: c.1763C>T on transcript NM_000212.3 (MANE Select); coding-DNA position 1763, C replaced by T.
Protein change: p.Thr588Met; replaces threonine 588 with methionine.
Molecular consequence: missense variant.
Genome position (GRCh38, 1-based): chr17:47,299,380, C>T. VCF-style: chr17-47299380-C-T. GRCh37 (hg19) VCF-style: chr17-45376746-C-T.
Other names: short protein forms T588M.
Identifiers: ClinVar variation 2085516 (VCV002085516.7), dbSNP rs762965827, ClinGen allele CA8623349.

ClinVar aggregate classification (germline): Uncertain significance. Review status: criteria provided, multiple submitters, no conflicts (2 of 4 stars). 3 submissions from 3 submitters: Uncertain significance (3). Last evaluated 2025-07-07.

Conditions:
ITGB3-related disorder. Also called: ITGB3-related condition.

Allele frequency attached by ClinVar (database versions not stated): gnomAD exomes 0.00002; ExAC 0.00004; TOPMed 0.00008; gnomAD 0.00009.
gnomAD v4.1: 39 of 1,614,124 alleles (0.0024%); highest among the groups gnomAD compares: Middle Eastern, 0.016%; no homozygotes.

Submissions (3):

Labcorp Genetics (formerly Invitae), Labcorp
Classification: Uncertain significance. Last evaluated: 2025-07-07. Review status: criteria provided, single submitter. Criteria: Invitae Variant Classification Sherloc (09022015). Collection method: clinical testing. Allele origin: germline.
Comment: This sequence change replaces threonine, which is neutral and polar, with methionine, which is neutral and non-polar, at codon 588 of the ITGB3 protein (p.Thr588Met). This variant is present in population databases (rs762965827, gnomAD 0.01%). This variant has not been reported in the literature in individuals affected with ITGB3-related conditions. ClinVar contains an entry for this variant (Variation ID: 2085516). Invitae Evidence Modeling of protein sequence and biophysical properties (such as structural, functional, and spatial information, amino acid conservation, physicochemical variation, residue mobility, and thermodynamic stability) indicates that this missense variant is not expected to disrupt ITGB3 protein function with a negative predictive value of 80%. In summary, the available evidence is currently insufficient to determine the role of this variant in disease. Therefore, it has been classified as a Variant of Uncertain Significance.

PreventionGenetics, part of Exact Sciences
Classification: Uncertain significance for ITGB3-related condition. Last evaluated: 2025-04-16. Review status: criteria provided, single submitter. Criteria: ACMG Guidelines, 2015. Collection method: clinical testing. Allele origin: germline.
Comment: The ITGB3 c.1763C>T variant is predicted to result in the amino acid substitution p.Thr588Met. To our knowledge, this variant has not been reported in the literature. This variant is reported in 0.011% of alleles in individuals of Latino descent in gnomAD. At this time, the clinical significance of this variant is uncertain due to the absence of conclusive functional and genetic evidence.

Women's Health and Genetics/Laboratory Corporation of America, LabCorp
Classification: Uncertain significance. Last evaluated: 2024-02-13. Review status: criteria provided, single submitter. Criteria: LabCorp Variant Classification Summary - May 2015. Collection method: clinical testing. Allele origin: germline.
Comment: Variant summary: ITGB3 c.1763C>T (p.Thr588Met) results in a non-conservative amino acid change in the encoded protein sequence. Four of five in-silico tools predict a damaging effect of the variant on protein function. The variant allele was found at a frequency of 3.6e-05 in 251442 control chromosomes. The available data on variant occurrences in the general population are insufficient to allow any conclusion about variant significance. To our knowledge, no occurrence of c.1763C>T in individuals affected with Glanzmann Thrombasthenia 2 and no experimental evidence demonstrating its impact on protein function have been reported. ClinVar contains an entry for this variant (Variation ID: 2085516). Based on the evidence outlined above, the variant was classified as uncertain significance.